The following is an entry in ClinVar:

ClinVar aggregate classification (germline): Benign. Review status: criteria provided, multiple submitters, no conflicts (2 of 4 stars). 6 submissions from 6 submitters: Benign (5). 1 of the submissions does not count toward it. Last evaluated 2021-06-10.

Conditions:
Niemann-Pick disease, type C1. Also called: NIEMANN-PICK DISEASE, VARIANT TYPE C1; NEUROVISCERAL STORAGE DISEASE WITH VERTICAL SUPRANUCLEAR OPHTHALMOPLEGIA; NIEMANN-PICK DISEASE WITH CHOLESTEROL ESTERIFICATION BLOCK; NIEMANN-PICK DISEASE WITHOUT SPHINGOMYELINASE DEFICIENCY; NIEMANN-PICK DISEASE, CHRONIC NEURONOPATHIC FORM. Identifiers: Orphanet 646, MedGen C3179455, MONDO:0009757, OMIM 257220.

Allele frequency attached by ClinVar (database versions not stated): ESP Exome Variant Server 0.04836; ExAC 0.07500; gnomAD 0.08768 and 0.08980; TOPMed 0.09761; 1000 Genomes Project 30x 0.16583; 1000 Genomes Project 0.17312.
gnomAD v4.1: 54,029 of 1,531,550 alleles (3.5%); highest among the groups gnomAD compares: East Asian, 30%; 4,630 homozygotes.

Submissions (6):

Genome-Nilou Lab
Classification: Benign for Niemann-Pick disease, type C1. Last evaluated: 2021-06-10. Review status: criteria provided, single submitter. Criteria: ACMG Guidelines, 2015. Collection method: clinical testing. Allele origin: germline. Affected: no.

Illumina Laboratory Services, Illumina
Classification: Benign for Niemann-Pick disease type C1. Last evaluated: 2018-01-12. Review status: criteria provided, single submitter. Criteria: ICSL Variant Classification Criteria 13 December 2019. Collection method: clinical testing. Allele origin: germline.
Comment: This variant was observed in the ICSL laboratory as part of a predisposition screen in an ostensibly healthy population. It had not been previously curated by ICSL or reported in the Human Gene Mutation Database (HGMD: prior to June 1st, 2018), and was therefore a candidate for classification through an automated scoring system. Utilizing variant allele frequency, disease prevalence and penetrance estimates, and inheritance mode, an automated score was calculated to assess if this variant is too frequent to cause the disease. Based on the score and internal cut-off values, a variant classified as benign is not then subjected to further curation. The score for this variant resulted in a classification of benign for this disease.

GeneDx
Classification: Benign. Last evaluated: 2015-03-03. Review status: criteria provided, single submitter. Criteria: GeneDx Variant Classification Process June 2021. Collection method: clinical testing. Allele origin: germline. Affected: yes.

Breakthrough Genomics
Classification: Benign. Review status: criteria provided, single submitter. Criteria: ACMG Guidelines, 2015. Collection method: not provided. Allele origin: germline. Inheritance: Autosomal recessive inheritance. Affected: yes.

PreventionGenetics, part of Exact Sciences
Classification: Benign. Review status: criteria provided, single submitter. Criteria: ACMG Guidelines, 2015. Collection method: clinical testing. Allele origin: germline.

Mayo Clinic Laboratories, Mayo Clinic
Classification: Benign. Last evaluated: 2015-12-16. Review status: no assertion criteria provided. Collection method: clinical testing. Allele origin: unknown. Not counted in ClinVar's aggregate classification.

NM_000271.5(NPC1):c.-22A>C

Gene: NPC1 (NPC intracellular cholesterol transporter 1; minus strand). Cytogenetic location: 18q11.2.
Variant type: single nucleotide variant.
Coding change: c.-22A>C on transcript NM_000271.5 (MANE Select); 22 bases upstream of the start codon, A replaced by C.
Molecular consequence: 5 prime UTR variant.
Genome position (GRCh38, 1-based): chr18:23,586,365, T>G on the plus strand (A>C on the coding strand, the complement: NPC1 is on the minus strand). VCF-style: chr18-23586365-T-G. GRCh37 (hg19) VCF-style: chr18-21166329-T-G.
Identifiers: ClinVar variation 255689 (VCV000255689.17), dbSNP rs2303880, ClinGen allele CA8913847.